The following is an entry in ClinVar:

NM_001365536.1(SCN9A):c.1505A>T (p.Lys502Ile)

Genes: SCN1A-AS1 (SCN1A and SCN9A antisense RNA 1; plus strand), SCN9A (sodium voltage-gated channel alpha subunit 9; minus strand). Cytogenetic location: 2q24.3.
Variant type: single nucleotide variant.
Coding change: c.1505A>T on transcript NM_001365536.1 (MANE Select); coding-DNA position 1505, A replaced by T.
Protein change: p.Lys502Ile; replaces lysine 502 with isoleucine.
Molecular consequence: missense variant.
Genome position (GRCh38, 1-based): chr2:166,286,433, T>A on the plus strand (A>T on the coding strand, the complement: SCN9A is on the minus strand). VCF-style: chr2-166286433-T-A. GRCh37 (hg19) VCF-style: chr2-167142943-T-A.
Other names: c.1505A>T, p.Lys502Ile (NM_002977.4); short protein forms K502I.
Identifiers: ClinVar variation 4783438 (VCV004783438.1).

ClinVar aggregate classification (germline): Uncertain significance (1 of 4 stars; one submission).

Conditions:
Neuropathy, hereditary sensory and autonomic, type 2A (HSAN2A). Also called: ACROOSTEOLYSIS, GIACCAI TYPE; ACROOSTEOLYSIS, NEUROGENIC; WNK1-Related HSAN2 (HSAN2A); NEUROPATHY, HEREDITARY SENSORY RADICULAR, AUTOSOMAL RECESSIVE; MORVAN DISEASE; NEUROPATHY, CONGENITAL SENSORY. Identifiers: Orphanet 970, MedGen C2752089, MONDO:0024309, OMIM 201300.
Generalized epilepsy with febrile seizures plus, type 7 (GEFSP7). Also called: GEFS+, TYPE 7. Identifiers: Orphanet 36387, MedGen C2751778, MONDO:0013470, OMIM 613863.

Submission:

Labcorp Genetics (formerly Invitae), Labcorp
Classification: Uncertain significance for Neuropathy, hereditary sensory and autonomic, type 2A; Generalized epilepsy with febrile seizures plus, type 7. Last evaluated: 2025-09-11. Review status: criteria provided, single submitter. Criteria: Invitae Variant Classification Sherloc (09022015). Collection method: clinical testing. Allele origin: germline.
Comment: This sequence change replaces lysine, which is basic and polar, with isoleucine, which is neutral and non-polar, at codon 502 of the SCN9A protein (p.Lys502Ile). This variant is not present in population databases (gnomAD no frequency). This variant has not been reported in the literature in individuals affected with SCN9A-related conditions. Invitae Evidence Modeling of protein sequence and biophysical properties (such as structural, functional, and spatial information, amino acid conservation, physicochemical variation, residue mobility, and thermodynamic stability) indicates that this missense variant is not expected to disrupt SCN9A protein function with a negative predictive value of 95%. In summary, the available evidence is currently insufficient to determine the role of this variant in disease. Therefore, it has been classified as a Variant of Uncertain Significance.